The following is an entry in ClinVar:

NM_001365999.1(SZT2):c.137C>T (p.Thr46Ile)

Gene: SZT2 (SZT2 subunit of KICSTOR complex; plus strand). Cytogenetic location: 1p34.2.
Variant type: single nucleotide variant.
Coding change: c.137C>T on transcript NM_001365999.1 (MANE Select); coding-DNA position 137, C replaced by T.
Protein change: p.Thr46Ile; replaces threonine 46 with isoleucine.
Molecular consequence: missense variant.
Genome position (GRCh38, 1-based): chr1:43,403,286, C>T. VCF-style: chr1-43403286-C-T. GRCh37 (hg19) VCF-style: chr1-43868957-C-T.
Other names: c.137C>T, p.Thr46Ile (NM_015284.4); short protein forms T46I.
Identifiers: ClinVar variation 588005 (VCV000588005.16), dbSNP rs139147641, ClinGen allele CA808080.

ClinVar aggregate classification (germline): Conflicting classifications of pathogenicity. Review status: criteria provided, conflicting classifications (1 of 4 stars). 3 submissions from 3 submitters: Uncertain significance (2); Likely benign (1). Last evaluated 2025-11-14.

Conditions:
Inborn genetic diseases. Identifiers: MedGen C0950123, MeSH D030342.

Allele frequency attached by ClinVar (database versions not stated): gnomAD 0.00002; TOPMed 0.00002; gnomAD exomes 0.00008 and 0.00015; ExAC 0.00018; 1000 Genomes Project 30x 0.00031; 1000 Genomes Project 0.00040.
gnomAD v4.1: 121 of 1,613,620 alleles (0.0075%); highest among the groups gnomAD compares: East Asian, 0.26%; no homozygotes.

Submissions (3):

Labcorp Genetics (formerly Invitae), Labcorp
Classification: Likely benign. Last evaluated: 2025-11-14. Review status: criteria provided, single submitter. Criteria: Invitae Variant Classification Sherloc (09022015). Collection method: clinical testing. Allele origin: germline.

GeneDx
Classification: Uncertain significance. Last evaluated: 2025-05-13. Review status: criteria provided, single submitter. Criteria: GeneDx Variant Classification Process June 2021. Collection method: clinical testing. Allele origin: germline. Affected: yes.
Comment: In silico analysis suggests that this missense variant does not alter protein structure/function; Observed with a second variant in SZT2 in a patient with a neurodevelopmental disorder; additional clinical features and segregation testing was not reported (PMID: 37645600); This variant is associated with the following publications: (PMID: 37645600)

Ambry Genetics
Classification: Uncertain significance for Inborn genetic diseases. Last evaluated: 2016-07-05. Review status: criteria provided, single submitter. Criteria: Ambry Variant Classification Scheme 2023. Collection method: clinical testing. Allele origin: germline.
Comment: The p.T46I variant (also known as c.137C>T), located in coding exon 2 of the SZT2 gene, results from a C to T substitution at nucleotide position 137. The threonine at codon 46 is replaced by isoleucine, an amino acid with similar properties. This variant was previously reported in the SNPDatabase as rs139147641. Based on data from the 1000 Genomes Project, the T allele has an overall frequency of approximately 0.1% (2/2098) total alleles studied. The highest observed frequency was 1.12% (2/178) Japanese alleles. This amino acid position is poorly conserved in available vertebrate species. In addition, this alteration is predicted to be tolerated by in silico analysis. Since supporting evidence is limited at this time, the clinical significance of this variant remains unclear.